The following is an entry in ClinVar:

ClinVar aggregate classification (germline): Uncertain significance (1 of 4 stars; one submission).

Conditions:
Developmental and epileptic encephalopathy, 23 (DEE23). Also called: Epileptic encephalopathy, early infantile, 23. Identifiers: Orphanet 411986, MedGen C4014492, MONDO:0014371, OMIM 615859.

Allele frequency attached by ClinVar (database versions not stated): ExAC 0.00001.
gnomAD v4.1: 4 of 1,586,962 alleles (0.00025%); highest among the groups gnomAD compares: East Asian, 0.0023%; no homozygotes.

Submission:

Labcorp Genetics (formerly Invitae), Labcorp
Classification: Uncertain significance for Developmental and epileptic encephalopathy, 23. Last evaluated: 2022-01-14. Review status: criteria provided, single submitter. Criteria: Invitae Variant Classification Sherloc (09022015). Collection method: clinical testing. Allele origin: germline.
Comment: This sequence change falls in intron 34 of the DOCK7 gene. It does not directly change the encoded amino acid sequence of the DOCK7 protein. This variant is present in population databases (rs767637846, gnomAD 0.006%). This variant has not been reported in the literature in individuals affected with DOCK7-related conditions. ClinVar contains an entry for this variant (Variation ID: 856287). Algorithms developed to predict the effect of sequence changes on RNA splicing suggest that this variant is not likely to affect RNA splicing. In summary, the available evidence is currently insufficient to determine the role of this variant in disease. Therefore, it has been classified as a Variant of Uncertain Significance.

NM_001367561.1(DOCK7):c.4380-7G>C

Gene: DOCK7 (dedicator of cytokinesis 7; minus strand). Cytogenetic location: 1p31.3.
Variant type: single nucleotide variant.
Coding change: c.4380-7G>C on transcript NM_001367561.1 (MANE Select); 7 bases into the intron before coding-DNA position 4380, G replaced by C.
Molecular consequence: intron variant.
Genome position (GRCh38, 1-based): chr1:62,508,065, C>G on the plus strand (G>C on the coding strand, the complement: DOCK7 is on the minus strand). VCF-style: chr1-62508065-C-G. GRCh37 (hg19) VCF-style: chr1-62973736-C-G.
Other names: c.4260-7G>C (NM_001272001.2, NM_001272000.2); c.4287-7G>C (NM_033407.4); c.4353-7G>C (NM_001271999.2, NM_001330614.2).
Identifiers: ClinVar variation 856287 (VCV000856287.6), dbSNP rs767637846, ClinGen allele CA885711.